The following is an entry in ClinVar:

ClinVar aggregate classification (germline): Pathogenic (1 of 4 stars; one submission).

Submission:

GeneDx
Classification: Pathogenic. Last evaluated: 2023-09-07. Review status: criteria provided, single submitter. Criteria: GeneDx Variant Classification Process June 2021. Collection method: clinical testing. Allele origin: germline. Affected: yes.
Comment: In silico analysis supports that this missense variant has a deleterious effect on protein structure/function; Not observed at significant frequency in large population cohorts (gnomAD); This variant is associated with the following publications: (PMID: 34366354, 23885714, 28664294, 16344340, 17931627, 23415546)

NM_000021.4(PSEN1):c.508T>C (p.Ser170Pro)

Gene: PSEN1 (presenilin 1; plus strand). Cytogenetic location: 14q24.2.
Variant type: single nucleotide variant.
Coding change: c.508T>C on transcript NM_000021.4 (MANE Select); coding-DNA position 508, T replaced by C.
Protein change: p.Ser170Pro; replaces serine 170 with proline.
Molecular consequence: missense variant.
Genome position (GRCh38, 1-based): chr14:73,186,880, T>C. VCF-style: chr14-73186880-T-C. GRCh37 (hg19) VCF-style: chr14-73653588-T-C.
Other names: c.496T>C, p.Ser166Pro (NM_007318.3); short protein forms S166P, S170P.
Identifiers: ClinVar variation 3340736 (VCV003340736.1).